The following is an entry in ClinVar:

NM_001035.3(RYR2):c.10655T>A (p.Leu3552Ter)

Gene: RYR2 (ryanodine receptor 2; plus strand). Cytogenetic location: 1q43.
Variant type: single nucleotide variant.
Coding change: c.10655T>A on transcript NM_001035.3 (MANE Select); coding-DNA position 10655, T replaced by A.
Protein change: p.Leu3552Ter; replaces leucine 3552 with a stop codon.
Molecular consequence: nonsense.
Genome position (GRCh38, 1-based): chr1:237,723,228, T>A. VCF-style: chr1-237723228-T-A. GRCh37 (hg19) VCF-style: chr1-237886528-T-A.
Other names: short protein forms L3552*.
Identifiers: ClinVar variation 2774376 (VCV002774376.2), dbSNP rs2547479495, ClinGen allele CA345416182.

ClinVar aggregate classification (germline): Uncertain significance (1 of 4 stars; one submission).

Conditions:
Cardiomyopathy (CMYO). Also called: Cardiomyopathies. Identifiers: Orphanet 167848, MedGen C0878544, MONDO:0004994, HP:0001638. Inheritance: Various modes of inheritance.

Submission:

Color Diagnostics, LLC DBA Color Health
Classification: Uncertain significance for Cardiomyopathy. Last evaluated: 2022-04-18. Review status: criteria provided, single submitter. Criteria: ACMG Guidelines, 2015. Collection method: clinical testing. Allele origin: germline.
Comment: This variant changes 1 nucleotide in exon 74 of the RYR2 gene, creating a premature translation stop signal. This variant is expected to result in an absent or non-functional protein product. To our knowledge, this variant has not been reported in individuals affected with cardiovascular disorders in the literature. This variant has not been identified in the general population by the Genome Aggregation Database (gnomAD). The available evidence is insufficient to determine the role of this variant in disease conclusively. Therefore, this variant is classified as a Variant of Uncertain Significance.